The following is an entry in ClinVar:

NM_138576.4(BCL11B):c.1935G>A (p.Ala645=)

Gene: BCL11B (BCL11 transcription factor B; minus strand). Cytogenetic location: 14q32.2.
Variant type: single nucleotide variant.
Coding change: c.1935G>A on transcript NM_138576.4 (MANE Select); coding-DNA position 1935, G replaced by A.
Protein change: p.Ala645=; no amino-acid change (alanine 645 retained).
Molecular consequence: synonymous variant.
Genome position (GRCh38, 1-based): chr14:99,174,901, C>T on the plus strand (G>A on the coding strand, the complement: BCL11B is on the minus strand). VCF-style: chr14-99174901-C-T. GRCh37 (hg19) VCF-style: chr14-99641238-C-T.
Other names: c.1932G>A, p.Ala644= (NM_001282237.2); c.1719G>A, p.Ala573= (NM_001282238.2); c.1722G>A, p.Ala574= (NM_022898.3).
Identifiers: ClinVar variation 1021337 (VCV001021337.40), dbSNP rs752477920, ClinGen allele CA7339576.

ClinVar aggregate classification (germline): Benign/Likely benign. Review status: criteria provided, multiple submitters, no conflicts (2 of 4 stars). 3 submissions from 3 submitters: Benign (1); Likely benign (2). Last evaluated 2026-01-28.

Allele frequency attached by ClinVar (database versions not stated): ExAC below 0.00001; 1000 Genomes Project 30x 0.00047; gnomAD 0.00064 and 0.00066; TOPMed 0.00070.
gnomAD v4.1: 1,144 of 1,087,502 alleles (0.11%); highest among the groups gnomAD compares: Middle Eastern, 0.13%; 1 homozygote.

Submissions (3):

Labcorp Genetics (formerly Invitae), Labcorp
Classification: Benign. Last evaluated: 2026-01-28. Review status: criteria provided, single submitter. Criteria: Invitae Variant Classification Sherloc (09022015). Collection method: clinical testing. Allele origin: germline.

CeGaT Center for Human Genetics Tuebingen
Classification: Likely benign. Last evaluated: 2025-09-01. Review status: criteria provided, single submitter. Criteria: CeGaT Center For Human Genetics Tuebingen Variant Classification Criteria Version 2. Collection method: clinical testing. Allele origin: germline. Affected: yes. Observed: 8 variant alleles.
Comment: BCL11B: BP4, BP7, BS1

Blueprint Genetics
Classification: Likely benign. Last evaluated: 2024-11-14. Review status: criteria provided, single submitter. Criteria: ACMG Guidelines, 2015. Collection method: clinical testing. Allele origin: germline.